The following is an entry in ClinVar:

NM_006267.5(RANBP2):c.8850G>A (p.Trp2950Ter)

Gene: RANBP2 (RAN binding protein 2; plus strand). Cytogenetic location: 2q13.
Variant type: single nucleotide variant.
Coding change: c.8850G>A on transcript NM_006267.5 (MANE Select); coding-DNA position 8850, G replaced by A.
Protein change: p.Trp2950Ter; replaces tryptophan 2950 with a stop codon.
Molecular consequence: nonsense.
Genome position (GRCh38, 1-based): chr2:108,782,217, G>A. VCF-style: chr2-108782217-G-A. GRCh37 (hg19) VCF-style: chr2-109398673-G-A.
Other names: c.8928G>A, p.Trp2976Ter (NM_001415871.1); c.8847G>A, p.Trp2949Ter (NM_001415872.1); c.8874G>A, p.Trp2958Ter (NM_001415873.1); short protein forms W2949*, W2950*, W2958*, W2976*.
Identifiers: ClinVar variation 2501880 (VCV002501880.1), dbSNP rs2467758007, ClinGen allele CA348084591.

ClinVar aggregate classification (germline): Uncertain significance (1 of 4 stars; one submission).

Submission:

GeneDx
Classification: Uncertain significance. Last evaluated: 2022-11-08. Review status: criteria provided, single submitter. Criteria: GeneDx Variant Classification Process June 2021. Collection method: clinical testing. Allele origin: germline. Affected: yes.
Comment: Nonsense variant predicted to result in protein truncation or nonsense mediated decay in a gene or region of a gene for which loss of function is not a well-established mechanism of disease; Not observed at significant frequency in large population cohorts (gnomAD); Has not been previously published as pathogenic or benign to our knowledge